The following is an entry in ClinVar:

ClinVar aggregate classification (germline): Pathogenic (1 of 4 stars; one submission).

Submission:

Labcorp Genetics (formerly Invitae), Labcorp
Classification: Pathogenic. Last evaluated: 2023-07-19. Review status: criteria provided, single submitter. Criteria: Invitae Variant Classification Sherloc (09022015). Collection method: clinical testing. Allele origin: germline.
Comment: This sequence change creates a premature translational stop signal (p.Ser981Profs*17) in the OTOF gene. It is expected to result in an absent or disrupted protein product. Loss-of-function variants in OTOF are known to be pathogenic (PMID: 18381613, 19250381, 22575033). This variant is not present in population databases (gnomAD no frequency). This variant has not been reported in the literature in individuals affected with OTOF-related conditions. For these reasons, this variant has been classified as Pathogenic.

Literature cited by the submitters: PubMed 18381613; PubMed 19250381; PubMed 22575033.

NM_194248.3(OTOF):c.2941_2947del (p.Ser981fs)

Gene: OTOF (otoferlin; minus strand). Cytogenetic location: 2p23.3.
Variant type: Deletion.
Coding change: c.2941_2947del on transcript NM_194248.3 (MANE Select); coding-DNA positions 2941 to 2947, 7 bases deleted (TCAGACC; older notation c.2941_2947delTCAGACC).
Protein change: p.Ser981fs; shifts the reading frame from serine 981.
Molecular consequence: frameshift variant.
Genome position (GRCh38, 1-based): chr2:26,475,958-26,475,964, GGTCTGA deleted on the plus strand (TCAGACC on the coding strand, the reverse complement: OTOF is on the minus strand); deleting any 7 consecutive bases within chr2:26,475,958-26,475,965 gives the same sequence; the c. name uses the placement nearest the transcript's 3' end. VCF-style (leftmost placement, unchanged base first): chr2-26475957-GGGTCTGA-G. GRCh37 (hg19) VCF-style: chr2-26698825-GGGTCTGA-G.
Other names: c.2941_2947del, p.Ser981fs (NM_001287489.2); c.700_706del, p.Ser234fs (NM_004802.4, NM_194323.3); c.871_877del, p.Ser291fs (NM_194322.3); short protein forms S981fs, S234fs, S291fs.
Identifiers: ClinVar variation 2745375 (VCV002745375.3), dbSNP rs2465582514, ClinGen allele CA2697547883.